The following is an entry in ClinVar:

NM_004958.4(MTOR):c.6664A>T (p.Ile2222Phe)

Gene: MTOR (mechanistic target of rapamycin kinase; minus strand). Cytogenetic location: 1p36.22.
Variant type: single nucleotide variant.
Coding change: c.6664A>T on transcript NM_004958.4 (MANE Select); coding-DNA position 6664, A replaced by T.
Protein change: p.Ile2222Phe; replaces isoleucine 2222 with phenylalanine.
Molecular consequence: missense variant.
Genome position (GRCh38, 1-based): chr1:11,122,125, T>A on the plus strand (A>T on the coding strand, the complement: MTOR is on the minus strand). VCF-style: chr1-11122125-T-A. GRCh37 (hg19) VCF-style: chr1-11182182-T-A.
Other names: c.6664A>T, p.Ile2222Phe (NM_001386500.1); c.5416A>T, p.Ile1806Phe (NM_001386501.1); short protein forms I2222F, I1806F.
Identifiers: ClinVar variation 1462029 (VCV001462029.9), dbSNP rs1016285766, ClinGen allele CA17936179.

ClinVar aggregate classification (germline): Uncertain significance. Review status: criteria provided, multiple submitters, no conflicts (2 of 4 stars). 2 submissions from 2 submitters: Uncertain significance (2). Last evaluated 2021-07-20.

Allele frequency attached by ClinVar (database versions not stated): gnomAD exomes below 0.00001; TOPMed 0.00001.
gnomAD v4.1: 5 of 1,614,202 alleles (0.00031%); no homozygotes.

Submissions (2):

Blueprint Genetics
Classification: Uncertain significance. Last evaluated: 2021-07-20. Review status: criteria provided, single submitter. Criteria: ACMG Guidelines, 2015. Collection method: clinical testing. Allele origin: germline.

Labcorp Genetics (formerly Invitae), Labcorp
Classification: Uncertain significance. Last evaluated: 2021-04-11. Review status: criteria provided, single submitter. Criteria: Invitae Variant Classification Sherloc (09022015). Collection method: clinical testing. Allele origin: germline.
Comment: In summary, the available evidence is currently insufficient to determine the role of this variant in disease. Therefore, it has been classified as a Variant of Uncertain Significance. Algorithms developed to predict the effect of missense changes on protein structure and function are either unavailable or do not agree on the potential impact of this missense change (SIFT: "Deleterious"; PolyPhen-2: "Probably Damaging"; Align-GVGD: "Class C0"). This variant has not been reported in the literature in individuals with MTOR-related conditions. This variant is not present in population databases (ExAC no frequency). This sequence change replaces isoleucine with phenylalanine at codon 2222 of the MTOR protein (p.Ile2222Phe). The isoleucine residue is highly conserved and there is a small physicochemical difference between isoleucine and phenylalanine.